The following is an entry in ClinVar:

ClinVar aggregate classification (germline): Uncertain significance (1 of 4 stars; one submission).

Conditions:
PHGDH deficiency. Identifiers: Orphanet 79351, MedGen C1866174, MONDO:0011152, OMIM 601815.

Allele frequency attached by ClinVar (database versions not stated): TOPMed below 0.00001; gnomAD exomes 0.00001; ExAC 0.00002; gnomAD 0.00006.
gnomAD v4.1: 29 of 1,613,994 alleles (0.0018%); highest among the groups gnomAD compares: Non-Finnish European, 0.0017%; no homozygotes.

Submission:

Labcorp Genetics (formerly Invitae), Labcorp
Classification: Uncertain significance for PHGDH deficiency. Last evaluated: 2022-05-13. Review status: criteria provided, single submitter. Criteria: Invitae Variant Classification Sherloc (09022015). Collection method: clinical testing. Allele origin: germline.
Comment: This sequence change replaces aspartic acid, which is acidic and polar, with valine, which is neutral and non-polar, at codon 81 of the PHGDH protein (p.Asp81Val). This variant is present in population databases (rs772824997, gnomAD 0.01%). This variant has not been reported in the literature in individuals affected with PHGDH-related conditions. Algorithms developed to predict the effect of missense changes on protein structure and function are either unavailable or do not agree on the potential impact of this missense change (SIFT: "Deleterious"; PolyPhen-2: "Probably Damaging"; Align-GVGD: "Class C0"). In summary, the available evidence is currently insufficient to determine the role of this variant in disease. Therefore, it has been classified as a Variant of Uncertain Significance.

NM_006623.4(PHGDH):c.242A>T (p.Asp81Val)

Gene: PHGDH (phosphoglycerate dehydrogenase; plus strand). Cytogenetic location: 1p12.
Variant type: single nucleotide variant.
Coding change: c.242A>T on transcript NM_006623.4 (MANE Select); coding-DNA position 242, A replaced by T.
Protein change: p.Asp81Val; replaces aspartic acid 81 with valine.
Molecular consequence: missense variant.
Genome position (GRCh38, 1-based): chr1:119,721,273, A>T. VCF-style: chr1-119721273-A-T. GRCh37 (hg19) VCF-style: chr1-120263896-A-T.
Other names: short protein forms D81V.
Identifiers: ClinVar variation 2171070 (VCV002171070.1), dbSNP rs772824997, ClinGen allele CA1036973.